The following is an entry in ClinVar:

NM_177438.3(DICER1):c.3800C>T (p.Thr1267Ile)

Gene: DICER1 (dicer 1, ribonuclease III; minus strand). Cytogenetic location: 14q32.13.
Variant type: single nucleotide variant.
Coding change: c.3800C>T on transcript NM_177438.3 (MANE Select); coding-DNA position 3800, C replaced by T.
Protein change: p.Thr1267Ile; replaces threonine 1267 with isoleucine.
Molecular consequence: missense variant.
Genome position (GRCh38, 1-based): chr14:95,103,596, G>A on the plus strand (C>T on the coding strand, the complement: DICER1 is on the minus strand). VCF-style: chr14-95103596-G-A. GRCh37 (hg19) VCF-style: chr14-95569933-G-A.
Other names: c.3800C>T (NM_177438.2); c.3800C>T, p.Thr1267Ile (NM_001195573.1, NM_001271282.3, NM_001291628.2 and 1 more transcripts); short protein forms T1267I.
Identifiers: ClinVar variation 1377885 (VCV001377885.9), dbSNP rs1891099996, ClinGen allele CA390873420.
Genomic context (GRCh38, chr14:95,103,596, plus strand): 5'-GAGGAGTACCCAATAGAAGGGCTCTGCTCAGAATCCATCCTGCCCTTGAGCACTTGAATA[G>A]TGTCTGTCGTACCAGGCATTACGGCCATCACAGGACTTCCATCTGAGGTAGATTTGTTAG-3'
Protein context (NP_803187.1, residues 1257-1277): VMAVMPGTTD[Thr1267Ile]IQVLKGRMDS

ClinVar aggregate classification (germline): Conflicting classifications of pathogenicity. Review status: criteria provided, conflicting classifications (1 of 4 stars). 2 submissions from 2 submitters: Uncertain significance (1); Likely benign (1). Last evaluated 2025-06-06.

Conditions:
DICER1-related tumor predisposition. Also called: DICER1 syndrome; DICER1-related pleuropulmonary blastoma cancer predisposition syndrome. Identifiers: Orphanet 284343, MedGen C3839822, MONDO:0100216.
Hereditary cancer-predisposing syndrome. Also called: Tumor predisposition; Hereditary neoplastic syndrome; Neoplastic Syndromes, Hereditary; Hereditary Cancer Syndrome. Identifiers: Orphanet 140162, MedGen C0027672, MeSH D009386, MONDO:0015356.

Submissions (2):

Ambry Genetics
Classification: Likely benign for Hereditary cancer-predisposing syndrome. Last evaluated: 2025-06-06. Review status: criteria provided, single submitter. Criteria: Ambry Variant Classification Scheme 2023. Collection method: clinical testing. Allele origin: germline.

Labcorp Genetics (formerly Invitae), Labcorp
Classification: Uncertain significance for DICER1-related tumor predisposition. Last evaluated: 2021-08-27. Review status: criteria provided, single submitter. Criteria: Invitae Variant Classification Sherloc (09022015). Collection method: clinical testing. Allele origin: germline.
Comment: This variant is not present in population databases (ExAC no frequency). In summary, the available evidence is currently insufficient to determine the role of this variant in disease. Therefore, it has been classified as a Variant of Uncertain Significance. Algorithms developed to predict the effect of missense changes on protein structure and function (SIFT, PolyPhen-2, Align-GVGD) all suggest that this variant is likely to be tolerated. This variant has not been reported in the literature in individuals affected with DICER1-related conditions. This sequence change replaces threonine with isoleucine at codon 1267 of the DICER1 protein (p.Thr1267Ile). The threonine residue is weakly conserved and there is a moderate physicochemical difference between threonine and isoleucine.